The following is an entry in ClinVar:

ClinVar aggregate classification (germline): Benign. Review status: criteria provided, multiple submitters, no conflicts (2 of 4 stars). 7 submissions from 7 submitters: Benign (5). 2 of the submissions do not count toward it. Last evaluated 2026-02-04.

Conditions:
Epidermodysplasia verruciformis. Identifiers: Orphanet 302, MedGen C0014522, MONDO:0009176.

Allele frequency attached by ClinVar (database versions not stated): gnomAD exomes 0.20610 and 0.22786; ExAC 0.23159; gnomAD 0.26901 and 0.26997; ESP Exome Variant Server 0.26918; TOPMed 0.27758; 1000 Genomes Project 0.30012; 1000 Genomes Project 30x 0.30434.

Submissions (7):

Labcorp Genetics (formerly Invitae), Labcorp
Classification: Benign for Epidermodysplasia verruciformis. Last evaluated: 2026-02-04. Review status: criteria provided, single submitter. Criteria: Invitae Variant Classification Sherloc (09022015). Collection method: clinical testing. Allele origin: germline.

Blueprint Genetics
Classification: Benign. Last evaluated: 2024-11-27. Review status: criteria provided, single submitter. Criteria: ACMG Guidelines, 2015. Collection method: clinical testing. Allele origin: germline.

Unidad de Genómica Garrahan, Hospital de Pediatría Garrahan
Classification: Benign. Last evaluated: 2024-01-24. Review status: criteria provided, single submitter. Criteria: ACMG Guidelines, 2015. Collection method: clinical testing. Allele origin: germline. Affected: no. Observed: 33 variant alleles.
Comment: This variant is classified as Benign based on local population frequency. This variant was detected in 38% of patients studied by a panel of primary immunodeficiencies. Number of patients: 33. Only high quality variants are reported.

GeneDx
Classification: Benign. Last evaluated: 2018-07-09. Review status: criteria provided, single submitter. Criteria: GeneDx Variant Classification Process June 2021. Collection method: clinical testing. Allele origin: germline. Affected: yes.

Breakthrough Genomics
Classification: Benign. Review status: criteria provided, single submitter. Criteria: ACMG Guidelines, 2015. Collection method: not provided. Allele origin: germline. Inheritance: Autosomal recessive inheritance. Affected: yes.

Diagnostic Laboratory, Department of Genetics, University Medical Center Groningen
Classification: Benign. Review status: no assertion criteria provided. Collection method: clinical testing. Allele origin: germline. Affected: yes. Study: VKGL Data-share Consensus. Not counted in ClinVar's aggregate classification.

Joint Genome Diagnostic Labs from Nijmegen and Maastricht, Radboudumc and MUMC+
Classification: Benign. Review status: no assertion criteria provided. Collection method: clinical testing. Allele origin: germline. Affected: yes. Study: VKGL Data-share Consensus. Not counted in ClinVar's aggregate classification.

NM_152468.5(TMC8):c.668+13T>C

Gene: TMC8 (transmembrane channel like 8; plus strand). Cytogenetic location: 17q25.3.
Variant type: single nucleotide variant.
Coding change: c.668+13T>C on transcript NM_152468.5 (MANE Select); 13 bases into the intron after coding-DNA position 668, T replaced by C.
Molecular consequence: intron variant.
Genome position (GRCh38, 1-based): chr17:78,133,555, T>C. VCF-style: chr17-78133555-T-C. GRCh37 (hg19) VCF-style: chr17-76129636-T-C.
Identifiers: ClinVar variation 1170200 (VCV001170200.19), dbSNP rs417780, ClinGen allele CA8796556.